The following is an entry in ClinVar:

NM_201384.3(PLEC):c.8871G>A (p.Lys2957=)

Gene: PLEC (plectin; minus strand). Cytogenetic location: 8q24.3.
Variant type: single nucleotide variant.
Coding change: c.8871G>A on transcript NM_201384.3 (MANE Select); coding-DNA position 8871, G replaced by A.
Protein change: p.Lys2957=; no amino-acid change (lysine 2957 retained).
Molecular consequence: synonymous variant.
Genome position (GRCh38, 1-based): chr8:143,920,950, C>T on the plus strand (G>A on the coding strand, the complement: PLEC is on the minus strand). VCF-style: chr8-143920950-C-T. GRCh37 (hg19) VCF-style: chr8-144995118-C-T.
Other names: p.Lys2984=; c.8952G>A, p.Lys2984= (NM_000445.5); c.8829G>A, p.Lys2943= (NM_201378.4); c.8805G>A, p.Lys2935= (NM_201379.3); c.9282G>A, p.Lys3094= (NM_201380.4); c.8775G>A, p.Lys2925= (NM_201381.3); c.8871G>A, p.Lys2957= (NM_201382.4); c.8883G>A, p.Lys2961= (NM_201383.3).
Identifiers: ClinVar variation 595304 (VCV000595304.18), dbSNP rs368326361, ClinGen allele CA4925153.

ClinVar aggregate classification (germline): Conflicting classifications of pathogenicity. Review status: criteria provided, conflicting classifications (1 of 4 stars). 6 submissions from 6 submitters: Uncertain significance (1); Likely benign (4). 1 of the submissions does not count toward it. Last evaluated 2025-11-01.

Conditions:
PLEC-related disorder. Also called: PLEC-related disorders; PLEC-related condition.
Epidermolysis bullosa simplex 5B, with muscular dystrophy (EBS5B). Also called: Epidermolysis bullosa simplex with muscular dystrophy; EPIDERMOLYSIS BULLOSA SIMPLEX AND LIMB-GIRDLE MUSCULAR DYSTROPHY. Identifiers: Orphanet 257, MedGen C2931072, MONDO:0009181, OMIM 226670.
Epidermolysis bullosa simplex, Ogna type (EBS5A). Also called: Pidermolysis bullosa simplex 5A, Ogna type; EPIDERMOLYSIS BULLOSA SIMPLEX 5A, OGNA TYPE. Identifiers: Orphanet 79401, MedGen C0432317, MONDO:0007555, OMIM 131950.
Epidermolysis bullosa simplex 5C, with pyloric atresia (EBS5C). Also called: PLEC-Related Epidermolysis Bullosa with Pyloric Atresia; Epidermolysis bullosa simplex with pyloric atresia; PLEC1-Related Epidermolysis Bullosa with Pyloric Atresia. Identifiers: Orphanet 158684, MedGen C2677349, MONDO:0012807, OMIM 612138.
Autosomal recessive limb-girdle muscular dystrophy type 2Q (LGMDR17). Also called: MUSCULAR DYSTROPHY, LIMB-GIRDLE, AUTOSOMAL RECESSIVE 17. Identifiers: Orphanet 254361, MedGen C3150989, MONDO:0013390, OMIM 613723.
Epidermolysis bullosa simplex with nail dystrophy (EBS5D). Identifiers: MedGen C4225309, MONDO:0014661, OMIM 616487.

Allele frequency attached by ClinVar (database versions not stated): gnomAD exomes 0.00003 and 0.00009; ExAC 0.00008; ESP Exome Variant Server 0.00024; gnomAD 0.00031 and 0.00036; TOPMed 0.00034.
gnomAD v4.1: 93 of 1,612,968 alleles (0.0058%); highest among the groups gnomAD compares: African/African-American, 0.11%; no homozygotes.

Submissions (6):

Labcorp Genetics (formerly Invitae), Labcorp
Classification: Likely benign for Autosomal recessive limb-girdle muscular dystrophy type 2Q; Epidermolysis bullosa simplex, Ogna type; Epidermolysis bullosa simplex with nail dystrophy; Epidermolysis bullosa simplex 5C, with pyloric atresia; Epidermolysis bullosa simplex 5B, with muscular dystrophy. Last evaluated: 2025-11-01. Review status: criteria provided, single submitter. Criteria: Invitae Variant Classification Sherloc (09022015). Collection method: clinical testing. Allele origin: germline.

Women's Health and Genetics/Laboratory Corporation of America, LabCorp
Classification: Likely benign. Last evaluated: 2025-06-18. Review status: criteria provided, single submitter. Criteria: LabCorp Variant Classification Summary - May 2015. Collection method: clinical testing. Allele origin: germline.

Mayo Clinic Laboratories, Mayo Clinic
Classification: Likely benign. Last evaluated: 2025-05-23. Review status: criteria provided, single submitter. Criteria: ACMG Guidelines, 2015. Collection method: clinical testing. Allele origin: germline. Observed: 1 variant allele.
Comment: BS1, BP4, BP7

Athena Diagnostics
Classification: Likely benign. Last evaluated: 2020-02-17. Review status: criteria provided, single submitter. Criteria: Athena Diagnostics Criteria. Collection method: clinical testing. Allele origin: unknown.

Eurofins Ntd Llc (ga)
Classification: Uncertain significance. Last evaluated: 2017-12-07. Review status: criteria provided, single submitter. Criteria: EGL Classification Definitions 2015. Collection method: clinical testing. Allele origin: germline. Observed: 1 variant allele, 1 heterozygote.

PreventionGenetics, part of Exact Sciences
Classification: Likely benign for PLEC-related condition. Last evaluated: 2019-07-19. Review status: no assertion criteria provided. Collection method: clinical testing. Allele origin: germline. Not counted in ClinVar's aggregate classification.
Comment: This variant is classified as likely benign based on ACMG/AMP sequence variant interpretation guidelines (Richards et al. 2015 PMID: 25741868, with internal and published modifications).